The following is an entry in ClinVar:

ClinVar aggregate classification (germline): Uncertain significance. Review status: criteria provided, multiple submitters, no conflicts (2 of 4 stars). 2 submissions from 2 submitters: Uncertain significance (2). Last evaluated 2022-02-07.

Allele frequency attached by ClinVar (database versions not stated): gnomAD 0.00001; TOPMed 0.00001.
gnomAD v4.1: 4 of 1,602,364 alleles (0.00025%); highest among the groups gnomAD compares: Non-Finnish European, 0.00034%; no homozygotes.

Submissions (2):

Blueprint Genetics
Classification: Uncertain significance. Last evaluated: 2022-02-07. Review status: criteria provided, single submitter. Criteria: ACMG Guidelines, 2015. Collection method: clinical testing. Allele origin: germline.

Labcorp Genetics (formerly Invitae), Labcorp
Classification: Uncertain significance. Last evaluated: 2021-08-28. Review status: criteria provided, single submitter. Criteria: Invitae Variant Classification Sherloc (09022015). Collection method: clinical testing. Allele origin: germline.
Comment: This sequence change replaces threonine with isoleucine at codon 3012 of the ADGRV1 protein (p.Thr3012Ile). The threonine residue is moderately conserved and there is a moderate physicochemical difference between threonine and isoleucine. This variant is not present in population databases (ExAC no frequency). This variant has not been reported in the literature in individuals affected with ADGRV1-related conditions. Algorithms developed to predict the effect of missense changes on protein structure and function are either unavailable or do not agree on the potential impact of this missense change (SIFT: "Deleterious"; PolyPhen-2: "Probably Damaging"; Align-GVGD: "Class C0"). In summary, the available evidence is currently insufficient to determine the role of this variant in disease. Therefore, it has been classified as a Variant of Uncertain Significance.

NM_032119.4(ADGRV1):c.9035C>T (p.Thr3012Ile)

Gene: ADGRV1 (adhesion G protein-coupled receptor V1; plus strand). Cytogenetic location: 5q14.3.
Variant type: single nucleotide variant.
Coding change: c.9035C>T on transcript NM_032119.4 (MANE Select); coding-DNA position 9035, C replaced by T.
Protein change: p.Thr3012Ile; replaces threonine 3012 with isoleucine.
Molecular consequence: missense variant. On other transcripts: non-coding transcript variant (1).
Genome position (GRCh38, 1-based): chr5:90,711,315, C>T. VCF-style: chr5-90711315-C-T. GRCh37 (hg19) VCF-style: chr5-90007132-C-T.
Other names: short protein forms T3012I.
Identifiers: ClinVar variation 968092 (VCV000968092.8), dbSNP rs1468489550, ClinGen allele CA360396086.